The following is an entry in ClinVar:

NM_001282933.2(ZNF341):c.2383G>A (p.Ala795Thr)

Genes: ZNF341 (zinc finger protein 341; plus strand), ZNF341-AS1 (ZNF341 antisense RNA 1; minus strand). Cytogenetic location: 20q11.22.
Variant type: single nucleotide variant.
Coding change: c.2383G>A on transcript NM_001282933.2 (MANE Select); coding-DNA position 2383, G replaced by A.
Protein change: p.Ala795Thr; replaces alanine 795 with threonine.
Molecular consequence: missense variant. On other transcripts: non-coding transcript variant (1).
Genome position (GRCh38, 1-based): chr20:33,791,335, G>A. VCF-style: chr20-33791335-G-A. GRCh37 (hg19) VCF-style: chr20-32379141-G-A.
Other names: c.2113G>A, p.Ala705Thr (NM_001282935.2); c.2362G>A, p.Ala788Thr (NM_032819.5); c.2362G>A (NM_032819.3); short protein forms A705T, A788T, A795T.
Identifiers: ClinVar variation 1436337 (VCV001436337.6), dbSNP rs372072074, ClinGen allele CA9819787.

ClinVar aggregate classification (germline): Uncertain significance. Review status: criteria provided, multiple submitters, no conflicts (2 of 4 stars). 2 submissions from 2 submitters: Uncertain significance (2). Last evaluated 2024-11-23.

Allele frequency attached by ClinVar (database versions not stated): gnomAD exomes 0.00004; ExAC 0.00005; ESP Exome Variant Server 0.00008; 1000 Genomes Project 30x 0.00016; 1000 Genomes Project 0.00020.
gnomAD v4.1: 32 of 1,611,910 alleles (0.002%); highest among the groups gnomAD compares: South Asian, 0.0066%; no homozygotes.

Submissions (2):

Ambry Genetics
Classification: Uncertain significance. Last evaluated: 2024-11-23. Review status: criteria provided, single submitter. Criteria: Ambry Variant Classification Scheme 2023. Collection method: clinical testing. Allele origin: germline.

Labcorp Genetics (formerly Invitae), Labcorp
Classification: Uncertain significance. Last evaluated: 2023-08-06. Review status: criteria provided, single submitter. Criteria: Invitae Variant Classification Sherloc (09022015). Collection method: clinical testing. Allele origin: germline.
Comment: In summary, the available evidence is currently insufficient to determine the role of this variant in disease. Therefore, it has been classified as a Variant of Uncertain Significance. Algorithms developed to predict the effect of missense changes on protein structure and function output the following: SIFT: "Not Available"; PolyPhen-2: "Benign"; Align-GVGD: "Not Available". The threonine amino acid residue is found in multiple mammalian species, which suggests that this missense change does not adversely affect protein function. ClinVar contains an entry for this variant (Variation ID: 1436337). This variant has not been reported in the literature in individuals affected with ZNF341-related conditions. This variant is present in population databases (rs372072074, gnomAD 0.01%). This sequence change replaces alanine, which is neutral and non-polar, with threonine, which is neutral and polar, at codon 788 of the ZNF341 protein (p.Ala788Thr).